The following is an entry in ClinVar:

NM_000393.5(COL5A2):c.3723T>C (p.Asp1241=)

Gene: COL5A2 (collagen type V alpha 2 chain; minus strand). Cytogenetic location: 2q32.2.
Variant type: single nucleotide variant.
Coding change: c.3723T>C on transcript NM_000393.5 (MANE Select); coding-DNA position 3723, T replaced by C.
Protein change: p.Asp1241=; no amino-acid change (aspartic acid 1241 retained).
Molecular consequence: synonymous variant.
Genome position (GRCh38, 1-based): chr2:189,039,474, A>G on the plus strand (T>C on the coding strand, the complement: COL5A2 is on the minus strand). VCF-style: chr2-189039474-A-G. GRCh37 (hg19) VCF-style: chr2-189904200-A-G.
Identifiers: ClinVar variation 4005457 (VCV004005457.2).
Genomic context (GRCh38, chr2:189,039,474, plus strand): 5'-TTTGTCATCAGGAGCCGCCTGATCTTCAGTAAACTCAGGAAGTGGATCTGGCATGCTTTC[A>G]TCATAGTGCCCCATGATATCCCCAAGAGCAGCTGTAAGGTGGCCAGGGGGACCCGGAGGG-3'
Protein context (NP_000384.2, residues 1231-1251): AALGDIMGHY[Asp1241=]ESMPDPLPEF

ClinVar aggregate classification (germline): Likely benign. Review status: criteria provided, multiple submitters, no conflicts (2 of 4 stars). 2 submissions from 2 submitters: Likely benign (2). Last evaluated 2025-07-18.

Conditions:
Familial thoracic aortic aneurysm and aortic dissection (TAAD). Also called: Thoracic aortic aneurysms and dissections. Identifiers: Orphanet 91387, MedGen C4707243, MONDO:0019625.

gnomAD v4.1: 4 of 1,613,962 alleles (0.00025%); highest among the groups gnomAD compares: Non-Finnish European, 0.00025%; no homozygotes.

Submissions (2):

Women's Health and Genetics/Laboratory Corporation of America, LabCorp
Classification: Likely benign. Last evaluated: 2025-07-18. Review status: criteria provided, single submitter. Criteria: LabCorp Variant Classification Summary - May 2015. Collection method: clinical testing. Allele origin: germline.
Comment: Variant summary: COL5A2 c.3723T>C alters a conserved nucleotide resulting in a synonymous change. Consensus agreement among computation tools predict no significant impact on normal splicing. However, these predictions have yet to be confirmed by functional studies. The variant was absent in 282418 control chromosomes. The available data on variant occurrences in the general population are insufficient to allow any conclusion about variant significance. To our knowledge, no occurrence of c.3723T>C in individuals affected with Ehlers-Danlos Syndrome and no experimental evidence demonstrating its impact on protein function have been reported. ClinVar contains an entry for this variant (Variation ID: 4005457). Based on the evidence outlined above, the variant was classified as likely benign.

Ambry Genetics
Classification: Likely benign for Familial thoracic aortic aneurysm and aortic dissection. Last evaluated: 2025-06-01. Review status: criteria provided, single submitter. Criteria: Ambry Variant Classification Scheme 2023. Collection method: clinical testing. Allele origin: germline.